The following is an entry in ClinVar:

ClinVar aggregate classification (germline): Uncertain significance. Review status: criteria provided, multiple submitters, no conflicts (2 of 4 stars). 2 submissions from 2 submitters: Uncertain significance (2). Last evaluated 2025-03-05.

Allele frequency attached by ClinVar (database versions not stated): ExAC 0.00001; gnomAD 0.00001; gnomAD exomes 0.00002.
gnomAD v4.1: 11 of 1,612,572 alleles (0.00068%); highest among the groups gnomAD compares: East Asian, 0.022%; no homozygotes.

Submissions (2):

Ambry Genetics
Classification: Uncertain significance. Last evaluated: 2025-03-05. Review status: criteria provided, single submitter. Criteria: Ambry Variant Classification Scheme 2023. Collection method: clinical testing. Allele origin: germline.
Comment: The p.A413V variant (also known as c.1238C>T), located in coding exon 8 of the RNF43 gene, results from a C to T substitution at nucleotide position 1238. The alanine at codon 413 is replaced by valine, an amino acid with similar properties. This amino acid position is conserved. In addition, this alteration is predicted to be tolerated by in silico analysis. Based on the available evidence, the clinical significance of this variant remains unclear.

Labcorp Genetics (formerly Invitae), Labcorp
Classification: Uncertain significance. Last evaluated: 2024-07-08. Review status: criteria provided, single submitter. Criteria: Invitae Variant Classification Sherloc (09022015). Collection method: clinical testing. Allele origin: germline.
Comment: This sequence change replaces alanine, which is neutral and non-polar, with valine, which is neutral and non-polar, at codon 413 of the RNF43 protein (p.Ala413Val). This variant is present in population databases (rs762928023, gnomAD 0.02%). This variant has not been reported in the literature in individuals affected with RNF43-related conditions. ClinVar contains an entry for this variant (Variation ID: 959963). An algorithm developed to predict the effect of missense changes on protein structure and function (PolyPhen-2) suggests that this variant is likely to be tolerated. In summary, the available evidence is currently insufficient to determine the role of this variant in disease. Therefore, it has been classified as a Variant of Uncertain Significance.

NM_017763.6(RNF43):c.1238C>T (p.Ala413Val)

Gene: RNF43 (ring finger protein 43; minus strand). Cytogenetic location: 17q22.
Variant type: single nucleotide variant.
Coding change: c.1238C>T on transcript NM_017763.6 (MANE Select); coding-DNA position 1238, C replaced by T.
Protein change: p.Ala413Val; replaces alanine 413 with valine.
Molecular consequence: missense variant.
Genome position (GRCh38, 1-based): chr17:58,358,538, G>A on the plus strand (C>T on the coding strand, the complement: RNF43 is on the minus strand). VCF-style: chr17-58358538-G-A. GRCh37 (hg19) VCF-style: chr17-56435899-G-A.
Other names: c.1238C>T, p.Ala413Val (NM_001305544.3); c.857C>T, p.Ala286Val (NM_001305545.2); short protein forms A286V, A413V.
Identifiers: ClinVar variation 959963 (VCV000959963.10), dbSNP rs762928023, ClinGen allele CA8673211.